The following is an entry in ClinVar:

ClinVar aggregate classification (germline): Likely benign (0 of 4 stars; one submission).

Conditions:
BMPER-related disorder. Also called: BMPER-related condition.

Allele frequency attached by ClinVar (database versions not stated): ExAC 0.00015.
gnomAD v4.1: 420 of 1,613,574 alleles (0.026%); highest among the groups gnomAD compares: Non-Finnish European, 0.032%; no homozygotes.

Submission:

PreventionGenetics, part of Exact Sciences
Classification: Likely benign for BMPER-related condition. Last evaluated: 2019-05-22. Review status: no assertion criteria provided. Collection method: clinical testing. Allele origin: germline.
Comment: This variant is classified as likely benign based on ACMG/AMP sequence variant interpretation guidelines (Richards et al. 2015 PMID: 25741868, with internal and published modifications).

NM_001365308.1(BMPER):c.*10C>T

Gene: BMPER (BMP binding endothelial regulator; plus strand). Cytogenetic location: 7p14.3.
Variant type: single nucleotide variant.
Coding change: c.*10C>T on transcript NM_001365308.1 (MANE Select); 10 bases downstream of the stop codon, C replaced by T.
Molecular consequence: 3 prime UTR variant.
Genome position (GRCh38, 1-based): chr7:34,153,283, C>T. VCF-style: chr7-34153283-C-T. GRCh37 (hg19) VCF-style: chr7-34192895-C-T.
Other names: c.*10C>T (NM_001410872.1, NM_133468.5).
Identifiers: ClinVar variation 3039470 (VCV003039470.2), dbSNP rs370100096, ClinGen allele CA4215599.
Genomic context (GRCh38, chr7:34,153,283, plus strand): 5'-GTCCTTCACAAGGGAAGGTGCATCAAGCCAGTCCTTTGTCCCCAGCGGTGACCTTTGTTT[C>T]GATCCTTAAGACTCTGAAATCTGGTGACTTTGACACTGAAGCGGAAGAGCCAATGAAGGA-3'